The following is an entry in ClinVar:

NM_004733.4(SLC33A1):c.311T>C (p.Val104Ala)

Gene: SLC33A1 (solute carrier family 33 member 1; minus strand). Cytogenetic location: 3q25.31.
Variant type: single nucleotide variant.
Coding change: c.311T>C on transcript NM_004733.4 (MANE Select); coding-DNA position 311, T replaced by C.
Protein change: p.Val104Ala; replaces valine 104 with alanine.
Molecular consequence: missense variant.
Genome position (GRCh38, 1-based): chr3:155,853,687, A>G on the plus strand (T>C on the coding strand, the complement: SLC33A1 is on the minus strand). VCF-style: chr3-155853687-A-G. GRCh37 (hg19) VCF-style: chr3-155571476-A-G.
Other names: c.311T>C, p.Val104Ala (NM_001190992.2, NM_001363883.1); c.311T>C (NM_004733.3); short protein forms V104A.
Identifiers: ClinVar variation 1057319 (VCV001057319.11), dbSNP rs1028028437, ClinGen allele CA85833635.
Genomic context (GRCh38, chr3:155,853,687, plus strand): 5'-AGTAATTTGAGACTGAAGGGCCAAAAGACAAAACTGAAGAAAGCTTGGTCTGTATAGCTA[A>G]CATTTTTGCTTTGCAAAATGAGTGGGATGCTTCCCGCCAAGCCCAGGGGAATACCCTGAA-3'
Protein context (NP_004724.1, residues 94-114): SIPLILQSKN[Val104Ala]SYTDQAFFSF

ClinVar aggregate classification (germline): Uncertain significance. Review status: criteria provided, multiple submitters, no conflicts (2 of 4 stars). 3 submissions from 3 submitters: Uncertain significance (3). Last evaluated 2026-07-01.

Conditions:
Inborn genetic diseases. Identifiers: MedGen C0950123, MeSH D030342.
Spastic paraplegia. Identifiers: MedGen C0037772, HP:0001258.

Allele frequency attached by ClinVar (database versions not stated): gnomAD exomes below 0.00001 and 0.00001; gnomAD 0.00001; TOPMed 0.00001.
gnomAD v4.1: 7 of 1,614,058 alleles (0.00043%); highest among the groups gnomAD compares: Non-Finnish European, 0.00059%; no homozygotes.

Submissions (3):

CeGaT Center for Human Genetics Tuebingen
Classification: Uncertain significance. Last evaluated: 2026-07-01. Review status: criteria provided, single submitter. Criteria: CeGaT Center For Human Genetics Tuebingen Variant Classification Criteria Version 2. Collection method: clinical testing. Allele origin: germline. Affected: yes. Observed: 1 variant allele.
Comment: SLC33A1: PM2

Ambry Genetics
Classification: Uncertain significance for Inborn genetic diseases. Last evaluated: 2023-11-20. Review status: criteria provided, single submitter. Criteria: Ambry Variant Classification Scheme 2023. Collection method: clinical testing. Allele origin: germline.

Labcorp Genetics (formerly Invitae), Labcorp
Classification: Uncertain significance for Spastic paraplegia. Last evaluated: 2020-06-11. Review status: criteria provided, single submitter. Criteria: Invitae Variant Classification Sherloc (09022015). Collection method: clinical testing. Allele origin: germline.
Comment: This sequence change replaces valine with alanine at codon 104 of the SLC33A1 protein (p.Val104Ala). The valine residue is moderately conserved and there is a small physicochemical difference between valine and alanine. In summary, the available evidence is currently insufficient to determine the role of this variant in disease. Therefore, it has been classified as a Variant of Uncertain Significance. Algorithms developed to predict the effect of missense changes on protein structure and function (SIFT, PolyPhen-2, Align-GVGD) all suggest that this variant is likely to be tolerated, but these predictions have not been confirmed by published functional studies and their clinical significance is uncertain. This variant has not been reported in the literature in individuals with SLC33A1-related conditions. This variant is not present in population databases (ExAC no frequency).